The following is an entry in ClinVar:

NM_177924.5(ASAH1):c.1094A>G (p.Asn365Ser)

Gene: ASAH1 (N-acylsphingosine amidohydrolase 1; minus strand). Cytogenetic location: 8p22.
Variant type: single nucleotide variant.
Coding change: c.1094A>G on transcript NM_177924.5 (MANE Select); coding-DNA position 1094, A replaced by G.
Protein change: p.Asn365Ser; replaces asparagine 365 with serine.
Molecular consequence: missense variant.
Genome position (GRCh38, 1-based): chr8:18,058,839, T>C on the plus strand (A>G on the coding strand, the complement: ASAH1 is on the minus strand). VCF-style: chr8-18058839-T-C. GRCh37 (hg19) VCF-style: chr8-17916348-T-C.
Other names: c.1076A>G, p.Asn359Ser (NM_001127505.3); c.899A>G, p.Asn300Ser (NM_001363743.2); c.1142A>G, p.Asn381Ser (NM_004315.6); short protein forms N359S, N300S, N365S, N381S.
Identifiers: ClinVar variation 1388284 (VCV001388284.8), dbSNP rs964224037, ClinGen allele CA173139545.

ClinVar aggregate classification (germline): Uncertain significance (1 of 4 stars; one submission).

Allele frequency attached by ClinVar (database versions not stated): TOPMed 0.00001.
gnomAD v4.1: 1 of 1,610,278 alleles (0.000062%); highest among the groups gnomAD compares: African/African-American, 0.0013%; no homozygotes.

Submission:

Labcorp Genetics (formerly Invitae), Labcorp
Classification: Uncertain significance. Last evaluated: 2022-07-26. Review status: criteria provided, single submitter. Criteria: Invitae Variant Classification Sherloc (09022015). Collection method: clinical testing. Allele origin: germline.
Comment: This sequence change replaces asparagine, which is neutral and polar, with serine, which is neutral and polar, at codon 365 of the ASAH1 protein (p.Asn365Ser). This variant is not present in population databases (gnomAD no frequency). This variant has not been reported in the literature in individuals affected with ASAH1-related conditions. ClinVar contains an entry for this variant (Variation ID: 1388284). Algorithms developed to predict the effect of sequence changes on RNA splicing suggest that this variant may create or strengthen a splice site. Algorithms developed to predict the effect of missense changes on protein structure and function (SIFT, PolyPhen-2, Align-GVGD) all suggest that this variant is likely to be disruptive. In summary, the available evidence is currently insufficient to determine the role of this variant in disease. Therefore, it has been classified as a Variant of Uncertain Significance.